The following is an entry in ClinVar:

NM_003190.5(TAPBP):c.1300G>C (p.Ala434Pro)

Gene: TAPBP (TAP binding protein; minus strand). Cytogenetic location: 6p21.32.
Variant type: single nucleotide variant.
Coding change: c.1300G>C on transcript NM_003190.5 (MANE Select); coding-DNA position 1300, G replaced by C.
Protein change: p.Ala434Pro; replaces alanine 434 with proline.
Molecular consequence: missense variant.
Genome position (GRCh38, 1-based): chr6:33,304,128, C>G on the plus strand (G>C on the coding strand, the complement: TAPBP is on the minus strand). VCF-style: chr6-33304128-C-G. GRCh37 (hg19) VCF-style: chr6-33271905-C-G.
Other names: c.1300G>C, p.Glu434Gln (NM_001410875.1); c.1300G>C, p.Ala434Pro (NM_172208.3); c.1039G>C, p.Ala347Pro (NM_172209.3); short protein forms A347P, A434P, E434Q.
Identifiers: ClinVar variation 4848495 (VCV004848495.1).

ClinVar aggregate classification (germline): Uncertain significance (1 of 4 stars; one submission).

gnomAD v4.1: 13 of 1,612,970 alleles (0.00081%); highest among the groups gnomAD compares: Admixed American, 0.0017%; no homozygotes.

Submission:

Women's Health and Genetics/Laboratory Corporation of America, LabCorp
Classification: Uncertain significance. Last evaluated: 2026-04-16. Review status: criteria provided, single submitter. Criteria: LabCorp Variant Classification Summary - May 2015. Collection method: clinical testing. Allele origin: germline.
Comment: Variant summary: TAPBP c.1300G>C (p.Ala434Pro) results in a non-conservative amino acid change in the encoded protein sequence. Algorithms developed to predict the effect of missense changes on protein structure and function are either unavailable or do not agree on the potential impact of this missense change. Several computational tools predict a significant impact on normal splicing: Two predict the variant no significant impact on splicing. Three predict the variant weakens a 5' donor site. However, these predictions have yet to be confirmed by functional studies. The variant allele was found at a frequency of 8e-06 in 250688 control chromosomes. The available data on variant occurrences in the general population are insufficient to allow any conclusion about variant significance. To our knowledge, no occurrence of c.1300G>C in individuals affected with TAPBP-related conditions and no experimental evidence demonstrating its impact on protein function have been reported. No submitters have cited clinical-significance assessments for this variant to ClinVar. Based on the evidence outlined above, the variant was classified as uncertain significance.